The following is an entry in ClinVar:

ClinVar aggregate classification (germline): Uncertain significance (1 of 4 stars; one submission).

Submission:

Labcorp Genetics (formerly Invitae), Labcorp
Classification: Uncertain significance. Last evaluated: 2019-10-31. Review status: criteria provided, single submitter. Criteria: Invitae Variant Classification Sherloc (09022015). Collection method: clinical testing. Allele origin: germline.
Comment: In summary, the available evidence is currently insufficient to determine the role of this variant in disease. Therefore, it has been classified as a Variant of Uncertain Significance. Algorithms developed to predict the effect of missense changes on protein structure and function are either unavailable or do not agree on the potential impact of this missense change (SIFT: "Deleterious"; PolyPhen-2: "Probably Damaging"; Align-GVGD: "Class C0"). This variant has not been reported in the literature in individuals with TUBGCP6-related conditions. This variant is not present in population databases (ExAC no frequency). This sequence change replaces lysine with alanine at codon 1729 of the TUBGCP6 protein (p.Lys1729Ala). The lysine residue is moderately conserved and there is a moderate physicochemical difference between lysine and alanine.

NM_020461.4(TUBGCP6):c.5185_5186delinsGC (p.Lys1729Ala)

Gene: TUBGCP6 (tubulin gamma complex component 6; minus strand). Cytogenetic location: 22q13.33.
Variant type: Indel.
Coding change: c.5185_5186delinsGC on transcript NM_020461.4 (MANE Select); coding-DNA positions 5185 to 5186, AA replaced by GC.
Protein change: p.Lys1729Ala; replaces lysine 1729 with alanine.
Molecular consequence: missense variant.
Genome position (GRCh38, 1-based): chr22:50,218,100-50,218,101, TT replaced by GC on the plus strand (AA replaced by GC on the coding strand, the reverse complement: TUBGCP6 is on the minus strand). VCF-style: chr22-50218100-TT-GC. GRCh37 (hg19) VCF-style: chr22-50656529-TT-GC.
Other names: short protein forms K1729A.
Identifiers: ClinVar variation 965061 (VCV000965061.8), dbSNP rs2064448127, ClinGen allele CA1139667185.